The following is an entry in ClinVar:

NM_002691.4(POLD1):c.2820+7C>G

Gene: POLD1 (DNA polymerase delta 1, catalytic subunit; plus strand). Cytogenetic location: 19q13.33.
Variant type: single nucleotide variant.
Coding change: c.2820+7C>G on transcript NM_002691.4 (MANE Select); 7 bases into the intron after coding-DNA position 2820, C replaced by G.
Molecular consequence: intron variant.
Genome position (GRCh38, 1-based): chr19:50,415,833, C>G. VCF-style: chr19-50415833-C-G. GRCh37 (hg19) VCF-style: chr19-50919090-C-G.
Other names: c.2820+7C>G (LRG_785t1, NM_001256849.1); c.2898+7C>G (LRG_785t2, NM_001308632.1).
Identifiers: ClinVar variation 383142 (VCV000383142.13), dbSNP rs1057521527, ClinGen allele CA16608372.

ClinVar aggregate classification (germline): Benign/Likely benign. Review status: criteria provided, multiple submitters, no conflicts (2 of 4 stars). 4 submissions from 4 submitters: Benign (1); Likely benign (3). Last evaluated 2026-01-19.

Conditions:
Hereditary cancer-predisposing syndrome. Also called: Neoplastic Syndromes, Hereditary; Hereditary neoplastic syndrome; Hereditary Cancer Syndrome; Tumor predisposition. Identifiers: Orphanet 140162, MedGen C0027672, MeSH D009386, MONDO:0015356.
POLD1-related polyposis and colorectal cancer syndrome (CRCS10). Also called: Colorectal cancer, susceptibility to, 10; Colorectal cancer 10; COLORECTAL CANCER, SUSCEPTIBILITY TO, ON CHROMOSOME 19q. Identifiers: Orphanet 220460, MedGen C2675481, MONDO:0012953, OMIM 612591.

Allele frequency attached by ClinVar (database versions not stated): TOPMed below 0.00001; gnomAD 0.00001.
gnomAD v4.1: 41 of 1,484,486 alleles (0.0028%); highest among the groups gnomAD compares: Non-Finnish European, 0.0033%; 1 homozygote.

Submissions (4):

Labcorp Genetics (formerly Invitae), Labcorp
Classification: Likely benign for POLD1-related polyposis and colorectal cancer syndrome. Last evaluated: 2026-01-19. Review status: criteria provided, single submitter. Criteria: Invitae Variant Classification Sherloc (09022015). Collection method: clinical testing. Allele origin: germline.

KCCC/NGS Laboratory, Kuwait Cancer Control Center
Classification: Benign for POLD1-related polyposis and colorectal cancer syndrome. Last evaluated: 2025-02-01. Review status: criteria provided, single submitter. Criteria: ACMG Guidelines, 2015. Collection method: clinical testing. Allele origin: germline. Affected: no.

Sema4
Classification: Likely benign for Hereditary cancer-predisposing syndrome. Last evaluated: 2020-07-15. Review status: criteria provided, single submitter. Criteria: Sema4 Curation Guidelines. Collection method: curation. Allele origin: germline.

GeneDx
Classification: Likely benign. Last evaluated: 2016-01-13. Review status: criteria provided, single submitter. Criteria: GeneDx Variant Classification (06012015). Collection method: clinical testing. Allele origin: germline. Affected: yes.
Comment: This variant is considered likely benign or benign based on one or more of the following criteria: it is a conservative change, it occurs at a poorly conserved position in the protein, it is predicted to be benign by multiple in silico algorithms, and/or has population frequency not consistent with disease.